The following is an entry in ClinVar:

NM_001352027.3(PHF21A):c.1796T>C (p.Met599Thr)

Gene: PHF21A (PHD finger protein 21A; minus strand). Cytogenetic location: 11p11.2.
Variant type: single nucleotide variant.
Coding change: c.1796T>C on transcript NM_001352027.3 (MANE Select); coding-DNA position 1796, T replaced by C.
Protein change: p.Met599Thr; replaces methionine 599 with threonine.
Molecular consequence: missense variant. On other transcripts: non-coding transcript variant (2).
Genome position (GRCh38, 1-based): chr11:45,934,218, A>G on the plus strand (T>C on the coding strand, the complement: PHF21A is on the minus strand). VCF-style: chr11-45934218-A-G. GRCh37 (hg19) VCF-style: chr11-45955769-A-G.
Other names: c.1793T>C, p.Met598Thr (NM_001101802.3); c.1796T>C, p.Met599Thr (NM_001352025.3, NM_001352026.3); c.1655T>C, p.Met552Thr (NM_001352028.1, NM_001352029.1, NM_016621.5); c.1652T>C, p.Met551Thr (NM_001352030.3, NM_001352031.3, NM_001352032.3); short protein forms M552T, M551T, M598T, M599T.
Identifiers: ClinVar variation 1930368 (VCV001930368.5), dbSNP rs370166935, ClinGen allele CA221608266.
Genomic context (GRCh38, chr11:45,934,218, plus strand): 5'-ACCTTCTCCAGGGAGCTGTGCATCTCCTTCTGCCGGGCCAGGATGGTGTTCTTCATTTCC[A>G]TGCATTTCTGCAGCAAATGACAAGGGCAGTGGCACTGAGCCGCCTGGTTTCTAACAGGCC-3'
Protein context (NP_001338956.1, residues 589-609): KQLSNSISKC[Met599Thr]EMKNTILARQ

ClinVar aggregate classification (germline): Uncertain significance (1 of 4 stars; one submission).

Allele frequency attached by ClinVar (database versions not stated): gnomAD 0.00001; gnomAD exomes 0.00001; TOPMed 0.00001; ESP Exome Variant Server 0.00008.
gnomAD v4.1: 16 of 1,612,294 alleles (0.00099%); highest among the groups gnomAD compares: African/African-American, 0.0013%; no homozygotes.

Submission:

Labcorp Genetics (formerly Invitae), Labcorp
Classification: Uncertain significance. Last evaluated: 2022-03-13. Review status: criteria provided, single submitter. Criteria: Invitae Variant Classification Sherloc (09022015). Collection method: clinical testing. Allele origin: germline.
Comment: In summary, the available evidence is currently insufficient to determine the role of this variant in disease. Therefore, it has been classified as a Variant of Uncertain Significance. Algorithms developed to predict the effect of missense changes on protein structure and function are either unavailable or do not agree on the potential impact of this missense change (SIFT: "Deleterious"; PolyPhen-2: "Benign"; Align-GVGD: "Class C65"). This variant has not been reported in the literature in individuals affected with PHF21A-related conditions. This variant is present in population databases (rs370166935, gnomAD 0.0009%). This sequence change replaces methionine, which is neutral and non-polar, with threonine, which is neutral and polar, at codon 598 of the PHF21A protein (p.Met598Thr).